The following is an entry in ClinVar:

NM_001205293.3(CACNA1E):c.5267+5G>A

Gene: CACNA1E (calcium voltage-gated channel subunit alpha1 E; plus strand). Cytogenetic location: 1q25.3.
Variant type: single nucleotide variant.
Coding change: c.5267+5G>A on transcript NM_001205293.3 (MANE Select); 5 bases into the intron after coding-DNA position 5267, G replaced by A.
Molecular consequence: intron variant.
Genome position (GRCh38, 1-based): chr1:181,776,233, G>A. VCF-style: chr1-181776233-G-A. GRCh37 (hg19) VCF-style: chr1-181745369-G-A.
Other names: c.5267+5G>A (NM_000721.4); c.5210+5G>A (NM_001205294.2).
Identifiers: ClinVar variation 1694536 (VCV001694536.33), dbSNP rs2102796431, ClinGen allele CA645527692.

ClinVar aggregate classification (germline): Conflicting classifications of pathogenicity. Review status: criteria provided, conflicting classifications (1 of 4 stars). 2 submissions from 2 submitters: Pathogenic (1); Uncertain significance (1). Last evaluated 2026-02-19.

Allele frequency attached by ClinVar (database versions not stated): gnomAD exomes below 0.00001.
gnomAD v4.1: 2 of 1,613,878 alleles (0.00012%); highest among the groups gnomAD compares: East Asian, 0.0022%; no homozygotes.

Submissions (2):

GeneDx
Classification: Pathogenic. Last evaluated: 2026-02-19. Review status: criteria provided, single submitter. Criteria: GeneDx Variant Classification Process June 2021. Collection method: clinical testing. Allele origin: germline. Affected: yes.
Comment: Not observed at significant frequency in large population cohorts (gnomAD); In silico analysis supports a deleterious effect on splicing; Has not been previously published as pathogenic or benign to our knowledge

CeGaT Center for Human Genetics Tuebingen
Classification: Uncertain significance. Last evaluated: 2022-05-01. Review status: criteria provided, single submitter. Criteria: CeGaT Center For Human Genetics Tuebingen Variant Classification Criteria Version 2. Collection method: clinical testing. Allele origin: germline. Affected: yes. Observed: 1 variant allele.
Comment: CACNA1E: PM2, PP3